The following is an entry in ClinVar:

NM_024422.6(DSC2):c.23G>T (p.Gly8Val)

Genes: DSC2 (desmocollin 2; minus strand), DSCAS (DSC1/DSC2 antisense RNA; plus strand). Cytogenetic location: 18q12.1.
Variant type: single nucleotide variant.
Coding change: c.23G>T on transcript NM_024422.6 (MANE Select); coding-DNA position 23, G replaced by T.
Protein change: p.Gly8Val; replaces glycine 8 with valine.
Molecular consequence: missense variant.
Genome position (GRCh38, 1-based): chr18:31,101,949, C>A on the plus strand (G>T on the coding strand, the complement: DSC2 is on the minus strand). VCF-style: chr18-31101949-C-A. GRCh37 (hg19) VCF-style: chr18-28681912-C-A.
Other names: p.G8V:GGC>GTC; p.Gly8Val; c.23G>T, p.Gly8Val (NM_004949.5); short protein forms G8V.
Identifiers: ClinVar variation 199758 (VCV000199758.39), dbSNP rs794728063, ClinGen allele CA022721.

ClinVar aggregate classification (germline): Conflicting classifications of pathogenicity. Review status: criteria provided, conflicting classifications (1 of 4 stars). 11 submissions from 11 submitters: Uncertain significance (7); Likely benign (4). Last evaluated 2025-12-31.

Conditions:
Cardiovascular phenotype. Identifiers: MedGen CN230736.
Familial isolated arrhythmogenic right ventricular dysplasia. Identifiers: Orphanet 217656, MedGen C4274968, MONDO:0016342.
Arrhythmogenic right ventricular dysplasia 11. Also called: Arrhythmogenic Right Ventricular Dysplasia/Cardiomyopathy11; Arrhythmogenic right ventricular dysplasia 11 with mild palmoplantar keratoderma and woolly hair; ARRHYTHMOGENIC RIGHT VENTRICULAR DYSPLASIA, FAMILIAL, 11. Identifiers: MedGen C1864850, MONDO:0012506, OMIM 610476.
Cardiomyopathy (CMYO). Also called: Cardiomyopathies. Identifiers: Orphanet 167848, MedGen C0878544, MONDO:0004994, HP:0001638. Inheritance: Various modes of inheritance.

Allele frequency attached by ClinVar (database versions not stated): gnomAD 0.00009 and 0.00008; gnomAD exomes 0.00008; TOPMed 0.00007.
gnomAD v4.1: 121 of 1,527,666 alleles (0.0079%); highest among the groups gnomAD compares: Non-Finnish European, 0.0097%; no homozygotes.

Submissions (11):

Labcorp Genetics (formerly Invitae), Labcorp
Classification: Uncertain significance for Arrhythmogenic right ventricular dysplasia 11. Last evaluated: 2025-12-31. Review status: criteria provided, single submitter. Criteria: Invitae Variant Classification Sherloc (09022015). Collection method: clinical testing. Allele origin: germline.
Comment: This sequence change replaces glycine, which is neutral and non-polar, with valine, which is neutral and non-polar, at codon 8 of the DSC2 protein (p.Gly8Val). This variant is present in population databases (rs794728063, gnomAD 0.02%). This missense change has been observed in individual(s) with arrhythmogenic cardiomyopathy (PMID: 24704780, 32009526, 37937776). ClinVar contains an entry for this variant (Variation ID: 199758). An algorithm developed to predict the effect of missense changes on protein structure and function (PolyPhen-2) suggests that this variant is likely to be tolerated. In summary, the available evidence is currently insufficient to determine the role of this variant in disease. Therefore, it has been classified as a Variant of Uncertain Significance.

Color Diagnostics, LLC DBA Color Health
Classification: Likely benign for Cardiomyopathy. Last evaluated: 2025-11-04. Review status: criteria provided, single submitter. Criteria: ACMG Guidelines, 2015. Collection method: clinical testing. Allele origin: germline.

GeneDx
Classification: Uncertain significance. Last evaluated: 2025-10-14. Review status: criteria provided, single submitter. Criteria: GeneDx Variant Classification Process June 2021. Collection method: clinical testing. Allele origin: germline. Affected: yes.
Comment: Identified in patients with cardiomyopathy in published literature (PMID: 24704780, 30847666, 32009526, 35470680); Identified in a patient with a clinical diagnosis of limb girdle muscular dystrophy (LGMD) who also harbored likely pathogenic variants in the FKRP gene (PMID: 29970176); In silico analysis suggests that this missense variant does not alter protein structure/function; This variant is associated with the following publications: (PMID: 37937776, 32009526, 30847666, 24704780, 35470680, 29970176)

Laboratory of Genetics, Children's Clinical University Hospital Latvia
Classification: Likely benign. Last evaluated: 2025-02-16. Review status: criteria provided, single submitter. Criteria: ACMG Guidelines, 2015. Collection method: clinical testing. Allele origin: germline. Affected: yes.

ARUP Laboratories, Molecular Genetics and Genomics, ARUP Laboratories
Classification: Likely benign. Last evaluated: 2025-01-26. Review status: criteria provided, single submitter. Criteria: ARUP Molecular Germline Variant Investigation Process 2024. Collection method: clinical testing. Allele origin: germline.

All of Us Research Program, National Institutes of Health
Classification: Uncertain significance for Familial isolated arrhythmogenic right ventricular dysplasia. Last evaluated: 2024-09-23. Review status: criteria provided, single submitter. Criteria: ACMG Guidelines, 2015. Collection method: clinical testing. Allele origin: germline. Inheritance: Autosomal dominant inheritance. Observed: 44 variant alleles, 44 heterozygotes.
Comment: This missense variant replaces glycine with valine at codon 8 of the DSC2 protein. Computational prediction suggests that this variant may not impact protein structure and function (internally defined REVEL score threshold <= 0.5, PMID: 27666373). To our knowledge, functional studies have not been reported for this variant. This variant has been identified in an individual with a definite or borderline diagnosis of arrhythmogenic cardiomyopathy (PMID: 24704780). This variant has been identified in 14/152998 chromosomes in the general population by the Genome Aggregation Database (gnomAD). The available evidence is insufficient to determine the role of this variant in disease conclusively. Therefore, this variant is classified as a Variant of Uncertain Significance.

This study involves interpretation of variants in research participants for the purpose of population health screening. Participant phenotype was not available at the time of variant classification. Additional details can be found in publication PMID: 35346344, PMCID: PMC8962531

Blueprint Genetics
Classification: Uncertain significance. Last evaluated: 2024-05-10. Review status: criteria provided, single submitter. Criteria: ACMG Guidelines, 2015. Collection method: clinical testing. Allele origin: germline.

Ambry Genetics
Classification: Likely benign for Cardiovascular phenotype. Last evaluated: 2022-12-21. Review status: criteria provided, single submitter. Criteria: Ambry Variant Classification Scheme 2023. Collection method: clinical testing. Allele origin: germline.

Mayo Clinic Laboratories, Mayo Clinic
Classification: Uncertain significance. Last evaluated: 2022-04-08. Review status: criteria provided, single submitter. Criteria: ACMG Guidelines, 2015. Collection method: clinical testing. Allele origin: germline. Observed: 1 variant allele.
Comment: BP4

Laboratory for Molecular Medicine, Mass General Brigham Personalized Medicine
Classification: Uncertain significance. Last evaluated: 2018-10-10. Review status: criteria provided, single submitter. Criteria: LMM Criteria. Collection method: clinical testing. Allele origin: germline. Observed: 1 variant allele.
Comment: Variant classified as Uncertain Significance - Favor Benign. The p.Gly8Val varia nt in DSC2 has been reported in 1 individuals with arrhythmogenic cardiomyopathy or borderline arrhythmogenic cardiomyopathy (Rasmussen 2014). It has also been identified in 0.02% (13/57888) of European chromosomes by gnomAD (.). Computational prediction tools and conservation analysis su ggest that this variant may not impact the protein, though this information is n ot predictive enough to rule out pathogenicity. In summary, while the clinical s ignificance of the p.Gly8Val variant is uncertain, its frequency suggests that i t is more likely to be benign. ACMG/AMP criteria applied: BP4.

CHEO Genetics Diagnostic Laboratory, Children's Hospital of Eastern Ontario
Classification: Uncertain significance for Cardiomyopathy. Last evaluated: 2017-10-10. Review status: criteria provided, single submitter. Criteria: ACMG Guidelines, 2015. Collection method: clinical testing. Allele origin: germline. Study: Canadian Open Genetics Repository.

Literature cited by the submitters: PubMed 24704780 (cited by 4 submitters); PubMed 32009526 (cited by Labcorp Genetics (formerly Invitae), Labcorp and Ambry Genetics); PubMed 37937776 (cited by Labcorp Genetics (formerly Invitae), Labcorp); PubMed 29970176 (cited by Ambry Genetics); PubMed 30847666 (cited by Ambry Genetics); PubMed 35470680 (cited by Ambry Genetics).